The following is an entry in ClinVar:

NM_002029.4(FPR1):c.576T>G (p.Asn192Lys)

Gene: FPR1 (formyl peptide receptor 1; minus strand). Cytogenetic location: 19q13.41.
Variant type: single nucleotide variant.
Coding change: c.576T>G on transcript NM_002029.4 (MANE Select); coding-DNA position 576, T replaced by G.
Protein change: p.Asn192Lys; replaces asparagine 192 with lysine.
Molecular consequence: missense variant.
Genome position (GRCh38, 1-based): chr19:51,746,419, A>C on the plus strand (T>G on the coding strand, the complement: FPR1 is on the minus strand). VCF-style: chr19-51746419-A-C. GRCh37 (hg19) VCF-style: chr19-52249672-A-C.
Other names: c.576T>G, p.Asn192Lys (NM_001193306.2); short protein forms N192K.
Identifiers: ClinVar variation 402876 (VCV000402876.18), dbSNP rs1042229, ClinGen allele CA9616428.

ClinVar aggregate classification (germline): Benign. Review status: criteria provided, multiple submitters, no conflicts (2 of 4 stars). 4 submissions from 4 submitters: Benign (4). Last evaluated 2026-02-04.

Conditions:
Gingival disorder. Also called: Gingival disease. Identifiers: MedGen C0017563, MONDO:0002021.

Allele frequency attached by ClinVar (database versions not stated): 1000 Genomes Project 0.36562; 1000 Genomes Project 30x 0.37227; ESP Exome Variant Server 0.43318.
gnomAD v4.1: 539,125 of 1,613,830 alleles (33%); highest among the groups gnomAD compares: African/African-American, 47%; 91,883 homozygotes.

Submissions (4):

Labcorp Genetics (formerly Invitae), Labcorp
Classification: Benign for Gingival disorder. Last evaluated: 2026-02-04. Review status: criteria provided, single submitter. Criteria: Invitae Variant Classification Sherloc (09022015). Collection method: clinical testing. Allele origin: germline.

GeneDx
Classification: Benign. Last evaluated: 2020-10-29. Review status: criteria provided, single submitter. Criteria: GeneDx Variant Classification Process June 2021. Collection method: clinical testing. Allele origin: germline. Affected: yes.
Comment: This variant is associated with the following publications: (PMID: 12595898)

Laboratory for Molecular Medicine, Mass General Brigham Personalized Medicine
Classification: Benign. Last evaluated: 2016-03-28. Review status: criteria provided, single submitter. Criteria: LMM Criteria. Collection method: clinical testing. Allele origin: germline.
Comment: Variant identified in a genome or exome case(s) and assessed due to predicted null impact of the variant or pathogenic assertions in the literature or databases. Disclaimer: This variant has not undergone full assessment. The following are preliminary notes: Frequency

Breakthrough Genomics
Classification: Benign. Review status: criteria provided, single submitter. Criteria: ACMG Guidelines, 2015. Collection method: not provided. Allele origin: germline. Inheritance: Unknown mechanism. Affected: yes.